The following is an entry in ClinVar:

NM_017514.5(PLXNA3):c.4612A>G (p.Met1538Val)

Gene: PLXNA3 (plexin A3; plus strand). Cytogenetic location: Xq28.
Variant type: single nucleotide variant.
Coding change: c.4612A>G on transcript NM_017514.5 (MANE Select); coding-DNA position 4612, A replaced by G.
Protein change: p.Met1538Val; replaces methionine 1538 with valine.
Molecular consequence: missense variant.
Genome position (GRCh38, 1-based): chrX:154,469,396, A>G. VCF-style: chrX-154469396-A-G. GRCh37 (hg19) VCF-style: chrX-153697739-A-G.
Other names: short protein forms M1538V.
Identifiers: ClinVar variation 3031169 (VCV003031169.2), dbSNP rs782775495, ClinGen allele CA415251434.

ClinVar aggregate classification (germline): Uncertain significance (0 of 4 stars; one submission).

Conditions:
PLXNA3-related disorder. Also called: PLXNA3-related condition.

Allele frequency attached by ClinVar (database versions not stated): TOPMed 0.00001; gnomAD exomes 0.00002.

Submission:

PreventionGenetics, part of Exact Sciences
Classification: Uncertain significance for PLXNA3-related condition. Last evaluated: 2023-10-26. Review status: no assertion criteria provided. Collection method: clinical testing. Allele origin: germline.
Comment: The PLXNA3 c.4612A>G variant is predicted to result in the amino acid substitution p.Met1538Val. To our knowledge, this variant has not been reported in the literature or in a large population database, indicating this variant is rare. At this time, the clinical significance of this variant is uncertain due to the absence of conclusive functional and genetic evidence.